The following is an entry in ClinVar:

ClinVar aggregate classification (germline): Likely benign. Review status: criteria provided, multiple submitters, no conflicts (2 of 4 stars). 2 submissions from 2 submitters: Likely benign (2). Last evaluated 2017-03-07.

Allele frequency attached by ClinVar (database versions not stated): gnomAD 0.00320 and 0.00342; TOPMed 0.00332; 1000 Genomes Project 0.00399; 1000 Genomes Project 30x 0.00453.
gnomAD v4.1: 872 of 1,517,664 alleles (0.057%); highest among the groups gnomAD compares: African/African-American, 1.1%; 1 homozygote.

Submissions (2):

GeneDx
Classification: Likely benign. Last evaluated: 2017-03-07. Review status: criteria provided, single submitter. Criteria: GeneDx Variant Classification (06012015). Collection method: clinical testing. Allele origin: germline. Affected: yes.
Comment: This variant is considered likely benign or benign based on one or more of the following criteria: it is a conservative change, it occurs at a poorly conserved position in the protein, it is predicted to be benign by multiple in silico algorithms, and/or has population frequency not consistent with disease.

Breakthrough Genomics
Classification: Likely benign. Review status: criteria provided, single submitter. Criteria: ACMG Guidelines, 2015. Collection method: not provided. Allele origin: germline. Inheritance: Unknown mechanism. Affected: yes.

NM_005472.5(KCNE3):c.-40-17T>C

Gene: KCNE3 (potassium voltage-gated channel subfamily E regulatory subunit 3; minus strand). Cytogenetic location: 11q13.4.
Variant type: single nucleotide variant.
Coding change: c.-40-17T>C on transcript NM_005472.5 (MANE Select); 17 bases into the intron before 40 bases upstream of the start codon, T replaced by C.
Molecular consequence: intron variant.
Genome position (GRCh38, 1-based): chr11:74,457,620, A>G on the plus strand (T>C on the coding strand, the complement: KCNE3 is on the minus strand). VCF-style: chr11-74457620-A-G. GRCh37 (hg19) VCF-style: chr11-74168665-A-G.
Identifiers: ClinVar variation 378000 (VCV000378000.3), dbSNP rs551016677, ClinGen allele CA16606336.